The following is an entry in ClinVar:

NM_001142800.2(EYS):c.2102G>T (p.Gly701Val)

Gene: EYS (EGF-like photoreceptor maintenance factor; minus strand). Cytogenetic location: 6q12.
Variant type: single nucleotide variant.
Coding change: c.2102G>T on transcript NM_001142800.2 (MANE Select); coding-DNA position 2102, G replaced by T.
Protein change: p.Gly701Val; replaces glycine 701 with valine.
Molecular consequence: missense variant.
Genome position (GRCh38, 1-based): chr6:65,057,649, C>A on the plus strand (G>T on the coding strand, the complement: EYS is on the minus strand). VCF-style: chr6-65057649-C-A. GRCh37 (hg19) VCF-style: chr6-65767542-C-A.
Other names: c.2102G>T, p.Gly701Val (NM_001292009.2); short protein forms G701V.
Identifiers: ClinVar variation 1395189 (VCV001395189.5), dbSNP rs1027731148, ClinGen allele CA140397901.

ClinVar aggregate classification (germline): Uncertain significance (1 of 4 stars; one submission).

gnomAD v4.1: 8 of 1,550,672 alleles (0.00052%); highest among the groups gnomAD compares: Admixed American, 0.002%; no homozygotes.

Submission:

Labcorp Genetics (formerly Invitae), Labcorp
Classification: Uncertain significance. Last evaluated: 2024-02-24. Review status: criteria provided, single submitter. Criteria: Invitae Variant Classification Sherloc (09022015). Collection method: clinical testing. Allele origin: germline.
Comment: This sequence change replaces glycine, which is neutral and non-polar, with valine, which is neutral and non-polar, at codon 701 of the EYS protein (p.Gly701Val). This variant is not present in population databases (gnomAD no frequency). This variant has not been reported in the literature in individuals affected with EYS-related conditions. ClinVar contains an entry for this variant (Variation ID: 1395189). Advanced modeling of protein sequence and biophysical properties (such as structural, functional, and spatial information, amino acid conservation, physicochemical variation, residue mobility, and thermodynamic stability) has been performed at Invitae for this missense variant, however the output from this modeling did not meet the statistical confidence thresholds required to predict the impact of this variant on EYS protein function. In summary, the available evidence is currently insufficient to determine the role of this variant in disease. Therefore, it has been classified as a Variant of Uncertain Significance.